The following is an entry in ClinVar:

NM_024596.5(MCPH1):c.1752A>G (p.Pro584=)

Gene: MCPH1 (microcephalin 1; plus strand). Cytogenetic location: 8p23.1.
Variant type: single nucleotide variant.
Coding change: c.1752A>G on transcript NM_024596.5 (MANE Select); coding-DNA position 1752, A replaced by G.
Protein change: p.Pro584=; no amino-acid change (proline 584 retained).
Molecular consequence: synonymous variant. On other transcripts: non-coding transcript variant (1).
Genome position (GRCh38, 1-based): chr8:6,445,474, A>G. VCF-style: chr8-6445474-A-G. GRCh37 (hg19) VCF-style: chr8-6302995-A-G.
Other names: c.1752A>G, p.Pro584= (NM_001172574.2, NM_001322042.2, NM_001363979.1 and 1 more transcripts); c.1608A>G, p.Pro536= (NM_001172575.2); c.1746A>G, p.Pro582= (NM_001322043.2); c.1650A>G, p.Pro550= (NM_001322045.2); c.1752A>G (NM_001322042.1).
Identifiers: ClinVar variation 285491 (VCV000285491.19), dbSNP rs372450763, ClinGen allele CA4610635.

ClinVar aggregate classification (germline): Conflicting classifications of pathogenicity. Review status: criteria provided, conflicting classifications (1 of 4 stars). 4 submissions from 4 submitters: Uncertain significance (2); Likely benign (2). Last evaluated 2026-01-18.

Conditions:
Microcephaly 1, primary, autosomal recessive (MCPH1). Also called: PREMATURE CHROMOSOME CONDENSATION SYNDROME; PCC SYNDROME; PREMATURE CHROMOSOME CONDENSATION WITH MICROCEPHALY AND MENTAL RETARDATION. Identifiers: Orphanet 2512, MedGen C1855081, MONDO:0009617, OMIM 251200.
MCPH1-related disorder. Also called: MCPH1-related condition.

Allele frequency attached by ClinVar (database versions not stated): gnomAD exomes 0.00009 and 0.00028; ExAC 0.00011; gnomAD 0.00018 and 0.00021; TOPMed 0.00018; ESP Exome Variant Server 0.00033.
gnomAD v4.1: 455 of 1,614,044 alleles (0.028%); highest among the groups gnomAD compares: Non-Finnish European, 0.035%; no homozygotes.

Submissions (4):

Labcorp Genetics (formerly Invitae), Labcorp
Classification: Likely benign. Last evaluated: 2026-01-18. Review status: criteria provided, single submitter. Criteria: Invitae Variant Classification Sherloc (09022015). Collection method: clinical testing. Allele origin: germline.

PreventionGenetics, part of Exact Sciences
Classification: Likely benign for MCPH1-related condition. Last evaluated: 2025-08-07. Review status: criteria provided, single submitter. Criteria: ACMG Guidelines, 2015. Collection method: clinical testing. Allele origin: germline.
Comment: This variant is classified as likely benign based on ACMG/AMP sequence variant interpretation guidelines (Richards et al. 2015 PMID: 25741868, with internal and published modifications).

Illumina Laboratory Services, Illumina
Classification: Uncertain significance for Microcephaly 1, primary, autosomal recessive. Last evaluated: 2018-01-13. Review status: criteria provided, single submitter. Criteria: ICSL Variant Classification Criteria 13 December 2019. Collection method: clinical testing. Allele origin: germline.

Eurofins Ntd Llc (ga)
Classification: Uncertain significance. Last evaluated: 2016-01-26. Review status: criteria provided, single submitter. Criteria: EGL Classification Definitions 2015. Collection method: clinical testing. Allele origin: germline. Observed: 1 variant allele, 1 heterozygote.